The following is an entry in ClinVar:

NM_000321.3(RB1):c.1421+1G>A

Gene: RB1 (RB transcriptional corepressor 1; plus strand). Cytogenetic location: 13q14.2.
Variant type: single nucleotide variant.
Coding change: c.1421+1G>A on transcript NM_000321.3 (MANE Select); the canonical splice donor site of the intron after coding-DNA position 1421, G replaced by A.
Molecular consequence: splice donor variant.
Genome position (GRCh38, 1-based): chr13:48,380,085, G>A. VCF-style: chr13-48380085-G-A. GRCh37 (hg19) VCF-style: chr13-48954221-G-A.
Other names: c.1421+1G>A (NM_001407165.1, NM_001407166.1).
Identifiers: ClinVar variation 3706395 (VCV003706395.3).

ClinVar aggregate classification (germline): Pathogenic. Review status: criteria provided, multiple submitters, no conflicts (2 of 4 stars). 2 submissions from 2 submitters: Pathogenic (2). Last evaluated 2025-02-16.

Conditions:
Retinoblastoma (RB1). Also called: RETINOBLASTOMA, SOMATIC. Identifiers: Orphanet 790, MedGen C0035335, MeSH D012175, MONDO:0008380, OMIM 180200, HP:0009919. Disease mechanism: loss of function. Inheritance: Both sporadic and heritable forms are tested..

Submissions (2):

Laboratory of Genetics, Children's Clinical University Hospital Latvia
Classification: Pathogenic. Last evaluated: 2025-02-16. Review status: criteria provided, single submitter. Criteria: ACMG Guidelines, 2015. Collection method: clinical testing. Allele origin: germline. Affected: yes.

Labcorp Genetics (formerly Invitae), Labcorp
Classification: Pathogenic for Retinoblastoma. Last evaluated: 2024-04-30. Review status: criteria provided, single submitter. Criteria: Invitae Variant Classification Sherloc (09022015). Collection method: clinical testing. Allele origin: germline.
Comment: This sequence change affects a donor splice site in intron 15 of the RB1 gene. It is expected to disrupt RNA splicing. Variants that disrupt the donor or acceptor splice site typically lead to a loss of protein function (PMID: 16199547), and loss-of-function variants in RB1 are known to be pathogenic (PMID: 17096365). This variant is not present in population databases (gnomAD no frequency). Disruption of this splice site has been observed in individual(s) with retinoblastoma (PMID: 30636860; Invitae). Algorithms developed to predict the effect of sequence changes on RNA splicing suggest that this variant may disrupt the consensus splice site. For these reasons, this variant has been classified as Pathogenic.

Literature cited by the submitters: PubMed 16199547 (cited by Labcorp Genetics (formerly Invitae), Labcorp); PubMed 17096365 (cited by Labcorp Genetics (formerly Invitae), Labcorp); PubMed 30636860 (cited by Labcorp Genetics (formerly Invitae), Labcorp).